The following is an entry in ClinVar:

NM_000338.3(SLC12A1):c.718C>T (p.Arg240Cys)

Gene: SLC12A1 (solute carrier family 12 member 1; plus strand). Cytogenetic location: 15q21.1.
Variant type: single nucleotide variant.
Coding change: c.718C>T on transcript NM_000338.3 (MANE Select); coding-DNA position 718, C replaced by T.
Protein change: p.Arg240Cys; replaces arginine 240 with cysteine.
Molecular consequence: missense variant. On other transcripts: intron variant (2).
Genome position (GRCh38, 1-based): chr15:48,226,565, C>T. VCF-style: chr15-48226565-C-T. GRCh37 (hg19) VCF-style: chr15-48518762-C-T.
Other names: c.724+618C>T (NM_001384136.1); c.629-514C>T (NM_001184832.2); short protein forms R240C.
Identifiers: ClinVar variation 1467974 (VCV001467974.7), dbSNP rs577894346, ClinGen allele CA7546845.

ClinVar aggregate classification (germline): Uncertain significance (1 of 4 stars; one submission).

Allele frequency attached by ClinVar (database versions not stated): gnomAD 0.00001 and 0.00003; gnomAD exomes 0.00003 and 0.00005; TOPMed 0.00004; ExAC 0.00007; 1000 Genomes Project 30x 0.00016; 1000 Genomes Project 0.00020.
gnomAD v4.1: 50 of 1,600,820 alleles (0.0031%); highest among the groups gnomAD compares: South Asian, 0.029%; 1 homozygote.

Submission:

Labcorp Genetics (formerly Invitae), Labcorp
Classification: Uncertain significance. Last evaluated: 2025-10-10. Review status: criteria provided, single submitter. Criteria: Invitae Variant Classification Sherloc (09022015). Collection method: clinical testing. Allele origin: germline.
Comment: This sequence change replaces arginine, which is basic and polar, with cysteine, which is neutral and slightly polar, at codon 240 of the SLC12A1 protein (p.Arg240Cys). This variant is present in population databases (rs577894346, gnomAD 0.03%). This variant has not been reported in the literature in individuals affected with SLC12A1-related conditions. ClinVar contains an entry for this variant (Variation ID: 1467974). Invitae Evidence Modeling of protein sequence and biophysical properties (such as structural, functional, and spatial information, amino acid conservation, physicochemical variation, residue mobility, and thermodynamic stability) has been performed for this missense variant. However, the output from this modeling did not meet the statistical confidence thresholds required to predict the impact of this variant on SLC12A1 protein function. Algorithms developed to predict the effect of sequence changes on RNA splicing suggest that this variant may disrupt the consensus splice site. In summary, the available evidence is currently insufficient to determine the role of this variant in disease. Therefore, it has been classified as a Variant of Uncertain Significance.